The following is an entry in ClinVar:

NM_005144.5(HR):c.*82G>T

Gene: HR (HR lysine demethylase and nuclear receptor corepressor; minus strand). Cytogenetic location: 8p21.3.
Variant type: single nucleotide variant.
Coding change: c.*82G>T on transcript NM_005144.5 (MANE Select); 82 bases downstream of the stop codon, G replaced by T.
Molecular consequence: 3 prime UTR variant.
Genome position (GRCh38, 1-based): chr8:22,115,618, C>A on the plus strand (G>T on the coding strand, the complement: HR is on the minus strand). VCF-style: chr8-22115618-C-A. GRCh37 (hg19) VCF-style: chr8-21973131-C-A.
Other names: c.*82G>T (NM_018411.4).
Identifiers: ClinVar variation 362470 (VCV000362470.5), dbSNP rs112057122, ClinGen allele CA10630637.

ClinVar aggregate classification (germline): Likely benign. Review status: criteria provided, single submitter (1 of 4 stars). 2 submissions from 1 submitter: Likely benign (2). Last evaluated 2017-04-27.

Conditions:
Atrichia with papular lesions (APL). Also called: PAPULAR ATRICHIA. Identifiers: Orphanet 86819, MedGen C1859592, MONDO:0008847, OMIM 209500.
Alopecia universalis congenita (ALUNC). Also called: ATRICHIA, GENERALIZED. Identifiers: Orphanet 701, MedGen C1859877, MONDO:0008757, OMIM 203655.

Allele frequency attached by ClinVar (database versions not stated): gnomAD 0.01214; 1000 Genomes Project 0.01577; TOPMed 0.01688; 1000 Genomes Project 30x 0.01858.
gnomAD v4.1: 3,840 of 1,226,796 alleles (0.31%); highest among the groups gnomAD compares: African/African-American, 4.7%; 103 homozygotes.

Submissions (2):

Illumina Laboratory Services, Illumina
Classification: Likely benign for Alopecia universalis congenita. Last evaluated: 2017-04-27. Review status: criteria provided, single submitter. Criteria: ICSL Variant Classification Criteria 13 December 2019. Collection method: clinical testing. Allele origin: germline.
Comment: This variant was observed as part of a predisposition screen in an ostensibly healthy population. A literature search was performed for the gene, cDNA change, and amino acid change (where applicable). No publications were found based on this search. Allele frequency data from public databases allowed determination this variant is unlikely to cause disease. Therefore, this variant is classified as likely benign.

Illumina Laboratory Services, Illumina
Classification: Likely benign for Atrichia with papular lesions. Last evaluated: 2017-04-27. Review status: criteria provided, single submitter. Criteria: ICSL Variant Classification Criteria 13 December 2019. Collection method: clinical testing. Allele origin: germline.
Comment: the same text as in the submission from Illumina Laboratory Services, Illumina above.